The following is an entry in ClinVar:

ClinVar aggregate classification (germline): Conflicting classifications of pathogenicity. Review status: criteria provided, conflicting classifications (1 of 4 stars). 8 submissions from 8 submitters: Uncertain significance (3); Benign (1); Likely benign (3). 1 of the submissions does not count toward it. Last evaluated 2026-01-28.

Conditions:
Inborn genetic diseases. Identifiers: MedGen C0950123, MeSH D030342.
Autosomal recessive nonsyndromic hearing loss 3. Also called: NEUROSENSORY NONSYNDROMIC RECESSIVE DEAFNESS 3. Identifiers: Orphanet 90636, MedGen C1838263, MONDO:0010860, OMIM 600316.
MYO15A-related disorder. Also called: MYO15A-related condition.

Allele frequency attached by ClinVar (database versions not stated): gnomAD exomes 0.00027 and 0.00060; 1000 Genomes Project 30x 0.00031; ESP Exome Variant Server 0.00033; gnomAD 0.00036; 1000 Genomes Project 0.00040; TOPMed 0.00040.

Submissions (8):

Labcorp Genetics (formerly Invitae), Labcorp
Classification: Benign. Last evaluated: 2026-01-28. Review status: criteria provided, single submitter. Criteria: Invitae Variant Classification Sherloc (09022015). Collection method: clinical testing. Allele origin: germline.

Blueprint Genetics
Classification: Likely benign. Last evaluated: 2024-11-27. Review status: criteria provided, single submitter. Criteria: ACMG Guidelines, 2015. Collection method: clinical testing. Allele origin: germline.

Ambry Genetics
Classification: Uncertain significance for Inborn genetic diseases. Last evaluated: 2024-05-20. Review status: criteria provided, single submitter. Criteria: Ambry Variant Classification Scheme 2023. Collection method: clinical testing. Allele origin: germline.

Department of Pathology and Laboratory Medicine, Sinai Health System
Classification: Uncertain significance for Autosomal recessive nonsyndromic hearing loss 3. Last evaluated: 2022-04-14. Review status: criteria provided, single submitter. Criteria: ACMG Guidelines, 2015. Collection method: research. Allele origin: germline.

GeneDx
Classification: Likely benign. Last evaluated: 2021-01-28. Review status: criteria provided, single submitter. Criteria: GeneDx Variant Classification Process June 2021. Collection method: clinical testing. Allele origin: germline. Affected: yes.

Illumina Laboratory Services, Illumina
Classification: Uncertain significance for Autosomal recessive nonsyndromic hearing loss 3. Last evaluated: 2018-01-12. Review status: criteria provided, single submitter. Criteria: ICSL Variant Classification Criteria 13 December 2019. Collection method: clinical testing. Allele origin: germline.

Laboratory for Molecular Medicine, Mass General Brigham Personalized Medicine
Classification: Likely benign. Last evaluated: 2015-02-24. Review status: criteria provided, single submitter. Criteria: LMM Criteria. Collection method: clinical testing. Allele origin: germline. Observed: 1 variant allele.
Comment: p.Arg3468Gln in exon 65 of MYO15A: This variant is not expected to have clinical significance due to a lack of conservation across species, including mammals. O f note, 6 mammals (including mouse, rat, and hedgehog) have a glutamine (Gln) at this position despite high nearby amino acid conservation. In addition, computa tional prediction tools do not suggest a high likelihood of impact to the protei n. It has also been identified in 0.3% (21/8552) of East Asian chromosomes by th e Exome Aggregation Consortium (ExAC; dbSNP rs20 0456053).

PreventionGenetics, part of Exact Sciences
Classification: Likely benign for MYO15A-related condition. Last evaluated: 2020-09-23. Review status: no assertion criteria provided. Collection method: clinical testing. Allele origin: germline. Not counted in ClinVar's aggregate classification.
Comment: This variant is classified as likely benign based on ACMG/AMP sequence variant interpretation guidelines (Richards et al. 2015 PMID: 25741868, with internal and published modifications).

NM_016239.4(MYO15A):c.10403G>A (p.Arg3468Gln)

Gene: MYO15A (myosin XVA; plus strand). Cytogenetic location: 17p11.2.
Variant type: single nucleotide variant.
Coding change: c.10403G>A on transcript NM_016239.4 (MANE Select); coding-DNA position 10403, G replaced by A.
Protein change: p.Arg3468Gln; replaces arginine 3468 with glutamine.
Molecular consequence: missense variant.
Genome position (GRCh38, 1-based): chr17:18,173,833, G>A. VCF-style: chr17-18173833-G-A. GRCh37 (hg19) VCF-style: chr17-18077147-G-A.
Other names: short protein forms R3468Q.
Identifiers: ClinVar variation 227631 (VCV000227631.18), dbSNP rs200456053, ClinGen allele CA8425930.